The following is an entry in ClinVar:

NM_002755.4(MAP2K1):c.472G>T (p.Ala158Ser)

Gene: MAP2K1 (mitogen-activated protein kinase kinase 1; plus strand). Cytogenetic location: 15q22.31.
Variant type: single nucleotide variant.
Coding change: c.472G>T on transcript NM_002755.4 (MANE Select); coding-DNA position 472, G replaced by T.
Protein change: p.Ala158Ser; replaces alanine 158 with serine.
Molecular consequence: missense variant. On other transcripts: intron variant (1).
Genome position (GRCh38, 1-based): chr15:66,443,313, G>T. VCF-style: chr15-66443313-G-T. GRCh37 (hg19) VCF-style: chr15-66735651-G-T.
Other names: c.373-1343G>T (NM_001411065.1); short protein forms A158S.
Identifiers: ClinVar variation 3660815 (VCV003660815.2).
Genomic context (GRCh38, chr15:66,443,313, plus strand): 5'-TAACTGGTCTGGTATTCTCGATCTTAGGATGGAGGTTCTCTGGATCAAGTCCTGAAGAAA[G>T]CTGGAAGAATTCCTGAACAAATTTTAGGAAAAGTTAGCATTGCTGTGAGTATGTTATGAA-3'
Protein context (NP_002746.1, residues 148-168): GGSLDQVLKK[Ala158Ser]GRIPEQILGK

ClinVar aggregate classification (germline): Uncertain significance (1 of 4 stars; one submission).

Conditions:
RASopathy. Also called: Noonan spectrum disorder; rasopathies. Identifiers: Orphanet 536391, MedGen C5555857, MONDO:0021060.

Submission:

Labcorp Genetics (formerly Invitae), Labcorp
Classification: Uncertain significance for RASopathy. Last evaluated: 2024-07-30. Review status: criteria provided, single submitter. Criteria: Invitae Variant Classification Sherloc (09022015). Collection method: clinical testing. Allele origin: germline.
Comment: This sequence change replaces alanine, which is neutral and non-polar, with serine, which is neutral and polar, at codon 158 of the MAP2K1 protein (p.Ala158Ser). This variant is not present in population databases (gnomAD no frequency). This variant has not been reported in the literature in individuals affected with MAP2K1-related conditions. Advanced modeling of protein sequence and biophysical properties (such as structural, functional, and spatial information, amino acid conservation, physicochemical variation, residue mobility, and thermodynamic stability) performed at Invitae indicates that this missense variant is not expected to disrupt MAP2K1 protein function with a negative predictive value of 80%. In summary, the available evidence is currently insufficient to determine the role of this variant in disease. Therefore, it has been classified as a Variant of Uncertain Significance.